The following continues an entry in ClinVar:

NM_004004.6(GJB2):c.647_650del (p.Arg216fs)

Gene: GJB2. ClinVar aggregate classification (germline): Pathogenic/Likely pathogenic. Pathogenic (11); Likely pathogenic (2).

Submissions 9 to 16 of 16:

ARUP Laboratories, Molecular Genetics and Genomics, ARUP Laboratories
Classification: Pathogenic. Last evaluated: 2021-12-21. Review status: criteria provided, single submitter. Criteria: ARUP Molecular Germline Variant Investigation Process 2021. Collection method: clinical testing. Allele origin: germline.
Comment: The GJB2 c.647_650delGATA; p.Arg216IlefsTer17 variant (rs587783647), also known as c.645_648delTAGA, is reported in the literature in the compound heterozygous state in multiple individuals affected with autosomal-recessive nonsyndromic hearing loss (Azaiez 2004, Hernandez-Juarez 2014, Prasad 2000, Putcha 2007, Tang 2006). This variant is reported as pathogenic or likely pathogenic by multiple laboratories in ClinVar (Variation ID: 158609), and is found in the Latino population with an allele frequency of 0.035% (12/34560 alleles) in the Genome Aggregation Database. This variant results in a premature termination codon in the last exon of the GJB2 gene. While this may not lead to nonsense-mediated decay, it is expected to create an altered protein that would include a sequence of 17 amino acid residues not usually present. Furthermore, functional analyses show that small deletions or additions to the C-terminus of the protein affect channel function (Locke 2011). Based on available information, this variant is considered to be pathogenic. References: Azaiez H et al. GJB2: the spectrum of deafness-causing allele variants and their phenotype. Hum Mutat. 2004 Oct;24(4):305-11. Hernandez-Juarez AA et al. GJB2 and GJB6 mutations are an infrequent cause of autosomal-recessive nonsyndromic hearing loss in residents of Mexico. Int J Pediatr Otorhinolaryngol. 2014 Dec;78(12):2107-12. Locke D et al. Mechanism for modulation of gating of connexin26-containing channels by taurine. J Gen Physiol. 2011 Sep;138(3):321-39. Prasad S et al. Genetic testing for hereditary hearing loss: connexin 26 (GJB2) allele variants and two novel deafness-causing mutations (R32C and 645-648delTAGA). Hum Mutat. 2000 Dec;16(6):502-8. Putcha GV et al. A multicenter study of the frequency and distribution of GJB2 and GJB6 mutations in a large North American cohort. Genet Med. 2007 Jul;9(7):413-26. Tang HY et al. DNA sequence analysis of GJB2, encoding connexin 26: observations from a population of hearing impaired cases and variable carrier rates, complex genotypes, and ethnic stratification of alleles among controls. Am J Med Genet A. 2006 Nov 15;140(22):2401-15.

Laboratory for Molecular Medicine, Mass General Brigham Personalized Medicine
Classification: Pathogenic for Rare genetic deafness. Last evaluated: 2021-08-05. Review status: criteria provided, single submitter. Criteria: ACMG Guidelines, 2015. Collection method: clinical testing. Allele origin: germline. Inheritance: Autosomal recessive inheritance.
Comment: The p.Arg216fs variant in GJB2 has been previously reported in at least 8 individuals with hearing loss, at least 4 of which were compound heterozygous for a second pathogenic variant in GJB2 (Prasad 2000 PMID: 11102979, Tang 2006 PMID: 17041943, Putcha 2007 PMID: 17666888, Hernandez-Juarez 2014 PMID: 25288386). This variant has also been reported as c.645_648delTAGA in the literature. It has also been identified in 0.03% (12/34560) of Latino chromosomes by gnomAD. This variant has also been reported in ClinVar (Variation ID 158609). This variant is predicted to cause a frameshift, which alters the protein’s amino acid sequence beginning at position 216 and leads to a new termination codon 17 amino acids downstream, thus resulting in a longer protein (the abnormal protein is 5 amino acids longer than the normal protein). This variant is expected to disrupt the normal function of the protein; however additional data is needed to confirm this. In summary, the p.Arg216fs variant is pathogenic for autosomal recessive nonsyndromic hearing loss. ACMG/AMP Criteria applied: PM3_Very Strong, PM4, PM2_Supporting.

Genomic Diagnostic Laboratory, Division of Genomic Diagnostics, Children's Hospital of Philadelphia
Classification: Pathogenic for Deafness, autosomal recessive 1A. Last evaluated: 2017-05-09. Review status: criteria provided, single submitter. Criteria: DGD Variant Analysis Guidelines. Collection method: clinical testing. Allele origin: germline. Affected: yes. Observed: 1 variant allele.

Eurofins Ntd Llc (ga)
Classification: Pathogenic. Last evaluated: 2015-03-11. Review status: criteria provided, single submitter. Criteria: EGL Classification Definitions. Collection method: clinical testing. Allele origin: germline. Observed: 4 variant alleles, 4 heterozygotes.

Genetic Services Laboratory, University of Chicago
Classification: Pathogenic for Hearing impairment. Last evaluated: 2013-02-08. Review status: criteria provided, single submitter. Criteria: ACMG Guidelines, 2007. Collection method: clinical testing. Allele origin: germline. Inheritance: Autosomal recessive inheritance. Affected: yes.

PreventionGenetics, part of Exact Sciences
Classification: Pathogenic for GJB2-related condition. Last evaluated: 2024-03-26. Review status: no assertion criteria provided. Collection method: clinical testing. Allele origin: germline. Not counted in ClinVar's aggregate classification.
Comment: The GJB2 c.647_650delGATA variant is predicted to result in a frameshift and premature protein termination (p.Arg216Ilefs*17). This variant has been reported as causative for autosomal recessive deafness (also described as c.645_648delGATA; Prasad et al 2000. PubMed ID: 11102979; Azaiez et al 2004. PubMed ID: 15365987; Putcha et al 2007. PubMed ID: 17666888). This variant is reported in 0.035% of alleles in individuals of Latino descent in gnomAD. Frameshift variants in GJB2 are expected to be pathogenic. This variant is interpreted as pathogenic.

Counsyl
Classification: Likely pathogenic for Autosomal recessive nonsyndromic hearing loss 1A. Last evaluated: 2016-06-21. Review status: no assertion criteria provided. Collection method: clinical testing. Allele origin: unknown. Not counted in ClinVar's aggregate classification.

Counsyl
Classification: Likely pathogenic for Autosomal dominant nonsyndromic hearing loss 3A. Last evaluated: 2016-06-21. Review status: no assertion criteria provided. Collection method: clinical testing. Allele origin: unknown. Not counted in ClinVar's aggregate classification.

Literature cited by the submitters: PubMed 15365987 (cited by 3 submitters); PubMed 17666888 (cited by 5 submitters); PubMed 25288386 (cited by 6 submitters); PubMed 17041943 (cited by 7 submitters); PubMed 11102979 (cited by 6 submitters); PubMed 31160754 (cited by Athena Diagnostics).